The following is an entry in ClinVar:

NM_001206744.2(TPO):c.1586T>G (p.Leu529Ter)

Gene: TPO (thyroid peroxidase; plus strand). Cytogenetic location: 2p25.3.
Variant type: single nucleotide variant.
Coding change: c.1586T>G on transcript NM_001206744.2 (MANE Select); coding-DNA position 1586, T replaced by G.
Protein change: p.Leu529Ter; replaces leucine 529 with a stop codon.
Molecular consequence: nonsense.
Genome position (GRCh38, 1-based): chr2:1,484,843, T>G. VCF-style: chr2-1484843-T-G. GRCh37 (hg19) VCF-style: chr2-1488615-T-G.
Other names: c.1586T>G, p.Leu529Ter (NM_000547.6, NM_001206745.2, NM_175719.4 and 1 more transcripts); c.1067T>G, p.Leu356Ter (NM_175722.3); short protein forms L356*, L529*.
Identifiers: ClinVar variation 2806730 (VCV002806730.3), dbSNP rs1670978559, ClinGen allele CA345695630.
Genomic context (GRCh38, chr2:1,484,843, plus strand): 5'-AGGAGCACCCCGACCTGCCCGGGCTGTGGCTGCACCAGGCTTTCTTCAGCCCATGGACAT[T>G]ACTCCGTGGAGGTGAGTGAGTGCGGTCCCTGCAGCTGGTCCCCATGAACTCTTCCTTCTT-3'

ClinVar aggregate classification (germline): Pathogenic (1 of 4 stars; one submission).

Allele frequency attached by ClinVar (database versions not stated): gnomAD exomes below 0.00001; TOPMed 0.00001.
gnomAD v4.1: 2 of 1,613,886 alleles (0.00012%); highest among the groups gnomAD compares: Non-Finnish European, 0.00017%; no homozygotes.

Submission:

Labcorp Genetics (formerly Invitae), Labcorp
Classification: Pathogenic. Last evaluated: 2023-12-30. Review status: criteria provided, single submitter. Criteria: Invitae Variant Classification Sherloc (09022015). Collection method: clinical testing. Allele origin: germline.
Comment: This sequence change creates a premature translational stop signal (p.Leu529*) in the TPO gene. It is expected to result in an absent or disrupted protein product. Loss-of-function variants in TPO are known to be pathogenic (PMID: 11061528, 23236987, 25564141). This variant is not present in population databases (gnomAD no frequency). This variant has not been reported in the literature in individuals affected with TPO-related conditions. For these reasons, this variant has been classified as Pathogenic.

Literature cited by the submitters: PubMed 11061528; PubMed 23236987; PubMed 25564141.